The following is an entry in ClinVar:

ClinVar aggregate classification (germline): Pathogenic. Review status: criteria provided, multiple submitters, no conflicts (2 of 4 stars). 6 submissions from 6 submitters: Pathogenic (6). Last evaluated 2025-01-27.

Conditions:
Charcot-Marie-Tooth disease type 2. Also called: Charcot-Marie-Tooth type 2. Identifiers: Orphanet 64746, MedGen C0270914, MONDO:0018993.
Charcot-Marie-Tooth disease type 2A2. Also called: CHARCOT-MARIE-TOOTH DISEASE, AXONAL, AUTOSOMAL DOMINANT, TYPE 2A2A; CHARCOT-MARIE-TOOTH DISEASE, AXONAL, TYPE 2A2; CHARCOT-MARIE-TOOTH DISEASE, NEURONAL, TYPE 2A2; Charcot-Marie-Tooth Neuropathy Type 2A2; HEREDITARY MOTOR AND SENSORY NEUROPATHY IIA2; HMSN IIA2. Identifiers: Orphanet 99947, MedGen C4721887, MONDO:0012231, OMIM 609260.
Neuropathy, hereditary motor and sensory, type 6A (HMSN6A). Also called: HMSN VIA; CHARCOT-MARIE-TOOTH DISEASE, TYPE 6A; NEUROPATHY, HEREDITARY MOTOR AND SENSORY, TYPE VIA, WITH OPTIC ATROPHY; NEUROPATHY, HEREDITARY MOTOR AND SENSORY, TYPE VIA. Identifiers: MedGen CN305336, MONDO:0011002, OMIM 601152.

Submissions (6):

Mayo Clinic Laboratories, Mayo Clinic
Classification: Pathogenic. Last evaluated: 2025-01-27. Review status: criteria provided, single submitter. Criteria: ACMG Guidelines, 2015. Collection method: clinical testing. Allele origin: germline. Observed: 1 variant allele.
Comment: PP1_strong, PP3_moderate, PM1, PM5, PS4

Labcorp Genetics (formerly Invitae), Labcorp
Classification: Pathogenic for Charcot-Marie-Tooth disease type 2. Last evaluated: 2024-07-24. Review status: criteria provided, single submitter. Criteria: Invitae Variant Classification Sherloc (09022015). Collection method: clinical testing. Allele origin: germline.
Comment: This sequence change replaces histidine, which is basic and polar, with arginine, which is basic and polar, at codon 165 of the MFN2 protein (p.His165Arg). This variant is not present in population databases (gnomAD no frequency). This missense change has been observed in individuals with Charcot-Marie-Tooth disease (PMID: 16714318, 16835246, 17309650, 24819634). It has also been observed to segregate with disease in related individuals. ClinVar contains an entry for this variant (Variation ID: 217164). Advanced modeling of protein sequence and biophysical properties (such as structural, functional, and spatial information, amino acid conservation, physicochemical variation, residue mobility, and thermodynamic stability) performed at Invitae indicates that this missense variant is expected to disrupt MFN2 protein function with a positive predictive value of 95%. This variant disrupts the p.His165 amino acid residue in MFN2. Other variant(s) that disrupt this residue have been determined to be pathogenic (PMID: 16087932, 16714318, 20951041, 24126688, 27549087). This suggests that this residue is clinically significant, and that variants that disrupt this residue are likely to be disease-causing. For these reasons, this variant has been classified as Pathogenic.

Institute of Human Genetics, University of Leipzig Medical Center
Classification: Pathogenic for Charcot-Marie-Tooth disease type 2A2. Last evaluated: 2022-09-26. Review status: criteria provided, single submitter. Criteria: ACMG Guidelines, 2015. Collection method: clinical testing. Allele origin: unknown. Affected: yes.
Comment: _x000D_ Criteria applied: PM5_STR, PS4_MOD, PM1, PM2_SUP, PP3

GeneDx
Classification: Pathogenic. Last evaluated: 2016-05-20. Review status: criteria provided, single submitter. Criteria: GeneDx Variant Classification (06012015). Collection method: clinical testing. Allele origin: germline. Affected: yes.
Comment: The H165R missense variant in the MFN2 gene has been reported previously in association with CMT2 (Chung et al., 2006; Verhoeven et al., 2006; Cho et al., 2007; Bergamin et al., 2014; Choi et al., 2015; Chung et al., 2010). Additionally, different amino acid substitutions at this same position (H165Y/L) have been reported in association with CMT (Stenson et al., 2014), and the H165 residue has been reported as a mutation hotspot (Cho et al., 2007). H165R was not observed in approximately 6,500 individuals of European and African American ancestry in the NHLBI Exome Sequencing Project, indicating it is not a common benign variant in these populations. The H165R variant is a conservative amino acid substitution, which is not likely to impact secondary protein structure as these residues share similar properties. However, it alters a highly conserved position in the GTPase domain where many other missense variants have been reported in association with CMT (Stenson et al., 2014).

Athena Diagnostics
Classification: Pathogenic for Charcot-Marie-Tooth disease, type 2A2. Last evaluated: 2015-06-17. Review status: criteria provided, single submitter. Criteria: Athena Diagnostics Criteria. Collection method: clinical testing. Allele origin: germline. Inheritance: Autosomal dominant inheritance.

Neuberg Centre For Genomic Medicine, NCGM
Classification: Pathogenic for Neuropathy, hereditary motor and sensory, type 6A. Review status: criteria provided, single submitter. Criteria: ACMG Guidelines, 2015. Collection method: clinical testing. Allele origin: germline. Inheritance: Autosomal dominant inheritance. Affected: yes.
Comment: The missense variant c.494A>G (p.His165Arg) in the MFN2 gene has been reported in heterozygous state in individuals affected with late-onset mild CharcotMarie-Tooth disease (Chung KW. et al., 2006). Different missense substitutions at this codon have been reported in individuals affected with CMT suggesting that the histidine residue is critical for MFN2 protein function and that other missense substitutions at this position may be pathogenic (Brožková DŠ. et al., 2013). This variant is novel (not in any individuals) in gnomAD Exomes and 1000 Genomes. It has been submitted to ClinVar as a Pathogenic variant. The amino acid Histidine at position 165 is changed to a Arginine changing protein sequence and it might alter its composition and physico-chemical properties. The variant is predicted to be damaging by both SIFT and PolyPhen2. The residue is conserved across species. For these reasons, this variant has been classified as Pathogenic.

Literature cited by the submitters: PubMed 16714318 (cited by 3 submitters); PubMed 16835246 (cited by 3 submitters); PubMed 17309650 (cited by 3 submitters); PubMed 20951041 (cited by Mayo Clinic Laboratories, Mayo Clinic and Labcorp Genetics (formerly Invitae), Labcorp); PubMed 24819634 (cited by 3 submitters); PubMed 28660751 (cited by Mayo Clinic Laboratories, Mayo Clinic); PubMed 30442897 (cited by Mayo Clinic Laboratories, Mayo Clinic); PubMed 37536398 (cited by Mayo Clinic Laboratories, Mayo Clinic); PubMed 38183043 (cited by Mayo Clinic Laboratories, Mayo Clinic); PubMed 16087932 (cited by Labcorp Genetics (formerly Invitae), Labcorp); PubMed 24126688 (cited by Labcorp Genetics (formerly Invitae), Labcorp); PubMed 27549087 (cited by Labcorp Genetics (formerly Invitae), Labcorp).

NM_014874.4(MFN2):c.494A>G (p.His165Arg)

Gene: MFN2 (mitofusin 2; plus strand). Cytogenetic location: 1p36.22.
Variant type: single nucleotide variant.
Coding change: c.494A>G on transcript NM_014874.4 (MANE Select); coding-DNA position 494, A replaced by G.
Protein change: p.His165Arg; replaces histidine 165 with arginine.
Molecular consequence: missense variant.
Genome position (GRCh38, 1-based): chr1:11,997,316, A>G. VCF-style: chr1-11997316-A-G. GRCh37 (hg19) VCF-style: chr1-12057373-A-G.
Other names: p.His165Arg; c.494A>G, p.His165Arg (NM_001127660.2); c.494A>G (NM_001127660.1); short protein forms H165R.
Identifiers: ClinVar variation 217164 (VCV000217164.11), dbSNP rs863224970, ClinGen allele CA279075.
Genomic context (GRCh38, chr1:11,997,316, plus strand): 5'-GGTTCCTCCTCAGCCTCTTTCTTTCCTTCCTCTGCCATCAGACTGTGAACCAGCTGGCCC[A>G]TGCCCTCCACCAGGACAAGCAGCTCCATGCCGGCAGCCTAGTGAGTGTGATGTGGCCCAA-3'
Protein context (NP_055689.1, residues 155-175): RSAKTVNQLA[His165Arg]ALHQDKQLHA